The following is an entry in ClinVar:

ClinVar aggregate classification (germline): Uncertain significance (1 of 4 stars; one submission).

Allele frequency attached by ClinVar (database versions not stated): TOPMed below 0.00001; gnomAD 0.00001 and 0.00002; gnomAD exomes 0.00001.

Submission:

Labcorp Genetics (formerly Invitae), Labcorp
Classification: Uncertain significance. Last evaluated: 2024-07-11. Review status: criteria provided, single submitter. Criteria: Invitae Variant Classification Sherloc (09022015). Collection method: clinical testing. Allele origin: germline.
Comment: This sequence change replaces isoleucine, which is neutral and non-polar, with valine, which is neutral and non-polar, at codon 72 of the PPP2R5D protein (p.Ile72Val). This variant is present in population databases (no rsID available, gnomAD 0.01%). This variant has not been reported in the literature in individuals affected with PPP2R5D-related conditions. ClinVar contains an entry for this variant (Variation ID: 1347647). An algorithm developed to predict the effect of missense changes on protein structure and function (PolyPhen-2) suggests that this variant is likely to be tolerated. In summary, the available evidence is currently insufficient to determine the role of this variant in disease. Therefore, it has been classified as a Variant of Uncertain Significance.

NM_006245.4(PPP2R5D):c.214A>G (p.Ile72Val)

Gene: PPP2R5D (protein phosphatase 2 regulatory subunit B'delta; plus strand). Cytogenetic location: 6p21.1.
Variant type: single nucleotide variant.
Coding change: c.214A>G on transcript NM_006245.4 (MANE Select); coding-DNA position 214, A replaced by G.
Protein change: p.Ile72Val; replaces isoleucine 72 with valine.
Molecular consequence: missense variant. On other transcripts: 5 prime UTR variant (1), intron variant (1).
Genome position (GRCh38, 1-based): chr6:43,006,571, A>G. VCF-style: chr6-43006571-A-G. GRCh37 (hg19) VCF-style: chr6-42974309-A-G.
Other names: c.-240A>G (NM_001270476.2); c.214A>G, p.Ile72Val (NM_180976.3); c.28-363A>G (NM_180977.3); short protein forms I72V.
Identifiers: ClinVar variation 1347647 (VCV001347647.8), dbSNP rs1193111263, ClinGen allele CA364179925.